The following is an entry in ClinVar:

ClinVar aggregate classification (germline): Conflicting classifications of pathogenicity. Review status: criteria provided, conflicting classifications (1 of 4 stars). 2 submissions from 2 submitters: Likely pathogenic (1); Uncertain significance (1). Last evaluated 2025-01-22.

Conditions:
Hereditary cancer-predisposing syndrome. Also called: Tumor predisposition; Hereditary Cancer Syndrome; Hereditary neoplastic syndrome; Neoplastic Syndromes, Hereditary. Identifiers: Orphanet 140162, MedGen C0027672, MeSH D009386, MONDO:0015356.
Tumor predisposition syndrome 3 (TPDS3). Also called: Glioma susceptibility 9; LONG TELOMERE SYNDROME, POT1-RELATED; POT1 Tumor Predisposition; Melanoma, cutaneous malignant, susceptibility to, 10. Identifiers: Orphanet 618, MedGen C4014476, MONDO:0014368, OMIM 615848.

gnomAD v4.1: 1 of 1,543,866 alleles (0.000065%); highest among the groups gnomAD compares: Non-Finnish European, 0.000087%; no homozygotes.

Submissions (2):

Ambry Genetics
Classification: Likely pathogenic for Hereditary cancer-predisposing syndrome. Last evaluated: 2025-01-22. Review status: criteria provided, single submitter. Criteria: Ambry Variant Classification Scheme 2023. Collection method: clinical testing. Allele origin: germline.
Comment: The p.G27R variant (also known as c.79G>C), located in coding exon 2 of the POT1 gene, results from a G to C substitution at nucleotide position 79. The glycine at codon 27 is replaced by arginine, an amino acid with dissimilar properties. This alteration has been observed in at least one individual with a personal and/or family history that is consistent with POT1-related disease (Ambry internal data). Based on internal structural analysis, this variant is anticipated to result in a significant decrease in structural stability (Ambry internal data). This amino acid position is highly conserved in available vertebrate species. This alteration is predicted to be deleterious by BayesDel in silico analysis. Based on the majority of available evidence to date, this variant is likely to be pathogenic.

Labcorp Genetics (formerly Invitae), Labcorp
Classification: Uncertain significance for Tumor predisposition syndrome 3. Last evaluated: 2023-06-05. Review status: criteria provided, single submitter. Criteria: Invitae Variant Classification Sherloc (09022015). Collection method: clinical testing. Allele origin: germline.
Comment: In summary, the available evidence is currently insufficient to determine the role of this variant in disease. Therefore, it has been classified as a Variant of Uncertain Significance. Advanced modeling of protein sequence and biophysical properties (such as structural, functional, and spatial information, amino acid conservation, physicochemical variation, residue mobility, and thermodynamic stability) performed at Invitae indicates that this missense variant is not expected to disrupt POT1 protein function. ClinVar contains an entry for this variant (Variation ID: 827378). This variant has not been reported in the literature in individuals affected with POT1-related conditions. This variant is not present in population databases (gnomAD no frequency). This sequence change replaces glycine, which is neutral and non-polar, with arginine, which is basic and polar, at codon 27 of the POT1 protein (p.Gly27Arg).

NM_015450.3(POT1):c.79G>C (p.Gly27Arg)

Gene: POT1 (protection of telomeres 1; minus strand). Cytogenetic location: 7q31.33.
Variant type: single nucleotide variant.
Coding change: c.79G>C on transcript NM_015450.3 (MANE Select); coding-DNA position 79, G replaced by C.
Protein change: p.Gly27Arg; replaces glycine 27 with arginine.
Molecular consequence: missense variant. On other transcripts: 5 prime UTR variant (1), non-coding transcript variant (3).
Genome position (GRCh38, 1-based): chr7:124,892,311, C>G on the plus strand (G>C on the coding strand, the complement: POT1 is on the minus strand). VCF-style: chr7-124892311-C-G. GRCh37 (hg19) VCF-style: chr7-124532365-C-G.
Other names: c.-184G>C (NM_001042594.2); short protein forms G27R.
Identifiers: ClinVar variation 827378 (VCV000827378.16), dbSNP rs1584791977, ClinGen allele CA369066113.